The following is an entry in ClinVar:

ClinVar aggregate classification (germline): Conflicting classifications of pathogenicity. Review status: criteria provided, conflicting classifications (1 of 4 stars). 5 submissions from 5 submitters: Uncertain significance (4); Likely benign (1). Last evaluated 2026-05-29.

Conditions:
Hereditary cancer-predisposing syndrome. Also called: Neoplastic Syndromes, Hereditary; Hereditary Cancer Syndrome; Hereditary neoplastic syndrome; Tumor predisposition. Identifiers: Orphanet 140162, MedGen C0027672, MeSH D009386, MONDO:0015356.
Gastrointestinal stromal tumor. Also called: Gastrointestinal stromal tumor, somatic; Gastrointestinal stroma tumor. Identifiers: Orphanet 44890, MedGen C0238198, MeSH D046152, MONDO:0011719, OMIM 606764, HP:0100723.

Allele frequency attached by ClinVar (database versions not stated): gnomAD 0.00001; gnomAD exomes 0.00001; TOPMed 0.00001; ExAC 0.00002; ESP Exome Variant Server 0.00008; 1000 Genomes Project 30x 0.00016; 1000 Genomes Project 0.00020.
gnomAD v4.1: 12 of 1,610,962 alleles (0.00074%); highest among the groups gnomAD compares: East Asian, 0.0022%; no homozygotes.

Submissions (5):

Myriad Genetics, Inc.
Classification: Likely benign for Gastrointestinal stromal tumor. Last evaluated: 2026-05-29. Review status: criteria provided, single submitter. Criteria: Myriad Autosomal Dominant, Autosomal Recessive and X-Linked Classification Criteria (2023). Collection method: clinical testing. Allele origin: unknown.
Comment: This variant is considered likely benign. This variant has been observed at a population frequency that is significantly greater than expected given the associated disease prevalence and penetrance.

Labcorp Genetics (formerly Invitae), Labcorp
Classification: Uncertain significance for Gastrointestinal stromal tumor. Last evaluated: 2026-01-31. Review status: criteria provided, single submitter. Criteria: Invitae Variant Classification Sherloc (09022015). Collection method: clinical testing. Allele origin: germline.
Comment: This sequence change replaces arginine, which is basic and polar, with tryptophan, which is neutral and slightly polar, at codon 804 of the KIT protein (p.Arg804Trp). This variant is present in population databases (rs145602440, gnomAD 0.006%). This variant has not been reported in the literature in individuals affected with KIT-related conditions. ClinVar contains an entry for this variant (Variation ID: 458919). An algorithm developed to predict the effect of missense changes on protein structure and function (PolyPhen-2) suggests that this variant is likely to be disruptive. In summary, the available evidence is currently insufficient to determine the role of this variant in disease. Therefore, it has been classified as a Variant of Uncertain Significance.

Ambry Genetics
Classification: Uncertain significance for Hereditary cancer-predisposing syndrome. Last evaluated: 2025-03-22. Review status: criteria provided, single submitter. Criteria: Ambry Variant Classification Scheme 2023. Collection method: clinical testing. Allele origin: germline.
Comment: The p.R804W variant (also known as c.2410C>T), located in coding exon 17 of the KIT gene, results from a C to T substitution at nucleotide position 2410. The arginine at codon 804 is replaced by tryptophan, an amino acid with dissimilar properties. This amino acid position is well conserved in available vertebrate species. In addition, this alteration is predicted to be deleterious by in silico analysis. The evidence for this gene-disease relationship is limited; therefore, the clinical significance of this alteration is unclear.

Baylor Genetics
Classification: Uncertain significance for Gastrointestinal stromal tumor. Last evaluated: 2024-02-28. Review status: criteria provided, single submitter. Criteria: ACMG Guidelines, 2015. Collection method: clinical testing. Allele origin: unknown.

Blueprint Genetics
Classification: Uncertain significance. Last evaluated: 2023-09-04. Review status: criteria provided, single submitter. Criteria: ACMG Guidelines, 2015. Collection method: clinical testing. Allele origin: germline.

NM_000222.3(KIT):c.2410C>T (p.Arg804Trp)

Gene: KIT (KIT proto-oncogene, receptor tyrosine kinase; plus strand). Cytogenetic location: 4q12.
Variant type: single nucleotide variant.
Coding change: c.2410C>T on transcript NM_000222.3 (MANE Select); coding-DNA position 2410, C replaced by T.
Protein change: p.Arg804Trp; replaces arginine 804 with tryptophan.
Molecular consequence: missense variant.
Genome position (GRCh38, 1-based): chr4:54,733,118, C>T. VCF-style: chr4-54733118-C-T. GRCh37 (hg19) VCF-style: chr4-55599284-C-T.
Other names: c.2398C>T, p.Arg800Trp (NM_001093772.2, NM_001385292.1); c.2413C>T, p.Arg805Trp (NM_001385284.1); c.2407C>T, p.Arg803Trp (NM_001385285.1); c.2395C>T, p.Arg799Trp (NM_001385286.1); c.2401C>T, p.Arg801Trp (NM_001385288.1); c.2410C>T, p.Arg804Trp (NM_001385290.1); short protein forms R804W, R800W, R799W, R801W, R803W, R805W.
Identifiers: ClinVar variation 458919 (VCV000458919.15), dbSNP rs145602440, ClinGen allele CA2923771.